The following is an entry in ClinVar:

NM_001018109.3(PIR):c.477A>G (p.Ile159Met)

Genes: PIR (pirin; minus strand), PIR-FIGF (PIR-FIGF readthrough; minus strand). Cytogenetic location: Xp22.2.
Variant type: single nucleotide variant.
Coding change: c.477A>G on transcript NM_001018109.3 (MANE Select); coding-DNA position 477, A replaced by G.
Protein change: p.Ile159Met; replaces isoleucine 159 with methionine.
Molecular consequence: missense variant. On other transcripts: non-coding transcript variant (1).
Genome position (GRCh38, 1-based): chrX:15,455,851, T>C on the plus strand (A>G on the coding strand, the complement: PIR is on the minus strand). VCF-style: chrX-15455851-T-C. GRCh37 (hg19) VCF-style: chrX-15473974-T-C.
Other names: c.477A>G, p.Ile159Met (NM_003662.4); short protein forms I159M.
Identifiers: ClinVar variation 3026738 (VCV003026738.22), dbSNP rs2519457360, ClinGen allele CA412449896.

ClinVar aggregate classification (germline): Uncertain significance (1 of 4 stars; one submission).

Submission:

CeGaT Center for Human Genetics Tuebingen
Classification: Uncertain significance. Last evaluated: 2023-12-01. Review status: criteria provided, single submitter. Criteria: CeGaT Center For Human Genetics Tuebingen Variant Classification Criteria Version 2. Collection method: clinical testing. Allele origin: germline. Affected: yes. Observed: 1 variant allele.
Comment: PIR: PM2, PS2:Supporting, BP4